The following is an entry in ClinVar:

NM_002230.4(JUP):c.1883C>T (p.Ala628Val)

Gene: JUP (junction plakoglobin; minus strand). Cytogenetic location: 17q21.2.
Variant type: single nucleotide variant.
Coding change: c.1883C>T on transcript NM_002230.4 (MANE Select); coding-DNA position 1883, C replaced by T.
Protein change: p.Ala628Val; replaces alanine 628 with valine.
Molecular consequence: missense variant.
Genome position (GRCh38, 1-based): chr17:41,757,675, G>A on the plus strand (C>T on the coding strand, the complement: JUP is on the minus strand). VCF-style: chr17-41757675-G-A. GRCh37 (hg19) VCF-style: chr17-39913927-G-A.
Other names: c.1883C>T, p.Ala628Val (NM_001352773.2, NM_001352774.2, NM_001352775.2 and 3 more transcripts); c.1883C>T (NM_002230.2); short protein forms A628V.
Identifiers: ClinVar variation 1004197 (VCV001004197.8), dbSNP rs1475273502, ClinGen allele CA399492244.

ClinVar aggregate classification (germline): Uncertain significance. Review status: criteria provided, multiple submitters, no conflicts (2 of 4 stars). 2 submissions from 2 submitters: Uncertain significance (2). Last evaluated 2025-08-16.

Conditions:
Arrhythmogenic right ventricular dysplasia 12. Also called: ARRHYTHMOGENIC RIGHT VENTRICULAR DYSPLASIA, FAMILIAL, 12. Identifiers: MedGen C1969081, MONDO:0012684, OMIM 611528.
Naxos disease (NXD). Also called: CARDIOMYOPATHY, ARRHYTHMOGENIC RIGHT VENTRICULAR, WITH SKIN, HAIR, AND NAIL ABNORMALITIES; KERATOSIS PALMOPLANTARIS WITH ARRHYTHMOGENIC CARDIOMYOPATHY; MAL DE NAXOS; PALMOPLANTAR KERATODERMA WITH ARRHYTHMOGENIC RIGHT VENTRICULAR CARDIOMYOPATHY AND WOOLLY HAIR; WOOLLY HAIR, PALMOPLANTAR KERATODERMA, AND CARDIAC ABNORMALITIES. Identifiers: Orphanet 34217, MedGen C1832600, MONDO:0011017, OMIM 601214.

Allele frequency attached by ClinVar (database versions not stated): gnomAD exomes below 0.00001; TOPMed below 0.00001; gnomAD 0.00001.
gnomAD v4.1: 3 of 1,613,404 alleles (0.00019%); highest among the groups gnomAD compares: African/African-American, 0.004%; no homozygotes.

Submissions (2):

GeneDx
Classification: Uncertain significance. Last evaluated: 2025-08-16. Review status: criteria provided, single submitter. Criteria: GeneDx Variant Classification Process June 2021. Collection method: clinical testing. Allele origin: germline. Affected: yes.
Comment: Not observed at significant frequency in large population cohorts (gnomAD); In silico analysis supports that this missense variant has a deleterious effect on protein structure/function; Has not been previously published as pathogenic or benign to our knowledge

Labcorp Genetics (formerly Invitae), Labcorp
Classification: Uncertain significance for Arrhythmogenic right ventricular dysplasia 12; Naxos disease. Last evaluated: 2024-10-07. Review status: criteria provided, single submitter. Criteria: Invitae Variant Classification Sherloc (09022015). Collection method: clinical testing. Allele origin: germline.
Comment: This sequence change replaces alanine, which is neutral and non-polar, with valine, which is neutral and non-polar, at codon 628 of the JUP protein (p.Ala628Val). This variant is not present in population databases (gnomAD no frequency). This variant has not been reported in the literature in individuals affected with JUP-related conditions. ClinVar contains an entry for this variant (Variation ID: 1004197). An algorithm developed to predict the effect of missense changes on protein structure and function (PolyPhen-2) suggests that this variant is likely to be tolerated. In summary, the available evidence is currently insufficient to determine the role of this variant in disease. Therefore, it has been classified as a Variant of Uncertain Significance.